The following is an entry in ClinVar:

ClinVar aggregate classification (germline): Uncertain significance (1 of 4 stars; one submission).

Submission:

Ambry Genetics
Classification: Uncertain significance. Last evaluated: 2022-08-22. Review status: criteria provided, single submitter. Criteria: Ambry Variant Classification Scheme 2023. Collection method: clinical testing. Allele origin: germline.
Comment: The p.D269N variant (also known as c.805G>A), located in coding exon 1 of the MLH3 gene, results from a G to A substitution at nucleotide position 805. The aspartic acid at codon 269 is replaced by asparagine, an amino acid with highly similar properties. This amino acid position is conserved. In addition, this alteration is predicted to be tolerated by in silico analysis. Since supporting evidence is limited at this time, the clinical significance of this alteration remains unclear.

NM_001040108.2(MLH3):c.805G>A (p.Asp269Asn)

Gene: MLH3 (mutL homolog 3; minus strand). Cytogenetic location: 14q24.3.
Variant type: single nucleotide variant.
Coding change: c.805G>A on transcript NM_001040108.2 (MANE Select); coding-DNA position 805, G replaced by A.
Protein change: p.Asp269Asn; replaces aspartic acid 269 with asparagine.
Molecular consequence: missense variant.
Genome position (GRCh38, 1-based): chr14:75,048,851, C>T on the plus strand (G>A on the coding strand, the complement: MLH3 is on the minus strand). VCF-style: chr14-75048851-C-T. GRCh37 (hg19) VCF-style: chr14-75515554-C-T.
Other names: c.805G>A, p.Asp269Asn (NM_014381.3); short protein forms D269N.
Identifiers: ClinVar variation 1761840 (VCV001761840.2), dbSNP rs2139598890, ClinGen allele CA390449005.